The following is an entry in ClinVar:

ClinVar aggregate classification (germline): Uncertain significance. Review status: criteria provided, multiple submitters, no conflicts (2 of 4 stars). 2 submissions from 2 submitters: Uncertain significance (2). Last evaluated 2025-10-06.

Conditions:
Hereditary pancreatitis (PCTT). Also called: PRSS1-Related Hereditary Pancreatitis; Hereditary chronic pancreatitis. Identifiers: Orphanet 676, MedGen C0238339, MONDO:0008185, OMIM 167800.

Allele frequency attached by ClinVar (database versions not stated): gnomAD 0.00001.
gnomAD v4.1: 2 of 1,613,936 alleles (0.00012%); highest among the groups gnomAD compares: Non-Finnish European, 0.00017%; no homozygotes.

Submissions (2):

Ambry Genetics
Classification: Uncertain significance for Hereditary pancreatitis. Last evaluated: 2025-10-06. Review status: criteria provided, single submitter. Criteria: Ambry Variant Classification Scheme 2023. Collection method: clinical testing. Allele origin: germline.
Comment: The p.N89I variant (also known as c.266A>T), located in coding exon 3 of the PRSS1 gene, results from an A to T substitution at nucleotide position 266. The asparagine at codon 89 is replaced by isoleucine, an amino acid with dissimilar properties. This amino acid position is conserved. In addition, this alteration is predicted to be tolerated by in silico analysis. Since supporting evidence is limited at this time, the clinical significance of this alteration remains unclear.

Labcorp Genetics (formerly Invitae), Labcorp
Classification: Uncertain significance for Hereditary pancreatitis. Last evaluated: 2021-01-15. Review status: criteria provided, single submitter. Criteria: Invitae Variant Classification Sherloc (09022015). Collection method: clinical testing. Allele origin: germline.
Comment: In summary, the available evidence is currently insufficient to determine the role of this variant in disease. Therefore, it has been classified as a Variant of Uncertain Significance. Algorithms developed to predict the effect of missense changes on protein structure and function are either unavailable or do not agree on the potential impact of this missense change (SIFT: "Deleterious"; PolyPhen-2: "Benign"; Align-GVGD: "Class C25"). This variant has not been reported in the literature in individuals with PRSS1-related conditions. This variant is not present in population databases (ExAC no frequency). This sequence change replaces asparagine with isoleucine at codon 89 of the PRSS1 protein (p.Asn89Ile). The asparagine residue is highly conserved and there is a large physicochemical difference between asparagine and isoleucine.

NM_002769.5(PRSS1):c.266A>T (p.Asn89Ile)

Genes: TRB (T cell receptor beta locus; plus strand), PRSS1 (serine protease 1; plus strand). Cytogenetic location: 7q34.
Variant type: single nucleotide variant.
Coding change: c.266A>T on transcript NM_002769.5 (MANE Select); coding-DNA position 266, A replaced by T.
Protein change: p.Asn89Ile; replaces asparagine 89 with isoleucine.
Molecular consequence: missense variant.
Genome position (GRCh38, 1-based): chr7:142,751,839, A>T. VCF-style: chr7-142751839-A-T. GRCh37 (hg19) VCF-style: chr7-142459690-A-T.
Other names: short protein forms N89I.
Identifiers: ClinVar variation 1381312 (VCV001381312.11), dbSNP rs1446407497, ClinGen allele CA369608587.
Genomic context (GRCh38, chr7:142,751,839, plus strand): 5'-TCCAGGTGAGACTGGGAGAGCACAACATCGAAGTCCTGGAGGGGAATGAGCAGTTCATCA[A>T]TGCAGCCAAGATCATCCGCCACCCCCAATACGACAGGAAGACTCTGAACAATGACATCAT-3'
Protein context (NP_002760.1, residues 79-99): EVLEGNEQFI[Asn89Ile]AAKIIRHPQY